The following is an entry in ClinVar:

ClinVar aggregate classification (germline): Uncertain significance (1 of 4 stars; one submission).

Allele frequency attached by ClinVar (database versions not stated): gnomAD exomes below 0.00001 and 0.00001; gnomAD 0.00001; TOPMed 0.00001.
gnomAD v4.1: 10 of 1,609,248 alleles (0.00062%); highest among the groups gnomAD compares: Non-Finnish European, 0.00085%; no homozygotes.

Submission:

Labcorp Genetics (formerly Invitae), Labcorp
Classification: Uncertain significance. Last evaluated: 2025-05-05. Review status: criteria provided, single submitter. Criteria: Invitae Variant Classification Sherloc (09022015). Collection method: clinical testing. Allele origin: germline.
Comment: This sequence change replaces aspartic acid, which is acidic and polar, with valine, which is neutral and non-polar, at codon 993 of the TUBGCP6 protein (p.Asp993Val). The frequency data for this variant in the population databases is considered unreliable, as metrics indicate poor data quality at this position in the gnomAD database. This variant has not been reported in the literature in individuals affected with TUBGCP6-related conditions. ClinVar contains an entry for this variant (Variation ID: 844788). An algorithm developed to predict the effect of missense changes on protein structure and function (PolyPhen-2) suggests that this variant is likely to be tolerated. In summary, the available evidence is currently insufficient to determine the role of this variant in disease. Therefore, it has been classified as a Variant of Uncertain Significance.

NM_020461.4(TUBGCP6):c.2978A>T (p.Asp993Val)

Gene: TUBGCP6 (tubulin gamma complex component 6; minus strand). Cytogenetic location: 22q13.33.
Variant type: single nucleotide variant.
Coding change: c.2978A>T on transcript NM_020461.4 (MANE Select); coding-DNA position 2978, A replaced by T.
Protein change: p.Asp993Val; replaces aspartic acid 993 with valine.
Molecular consequence: missense variant.
Genome position (GRCh38, 1-based): chr22:50,221,381, T>A on the plus strand (A>T on the coding strand, the complement: TUBGCP6 is on the minus strand). VCF-style: chr22-50221381-T-A. GRCh37 (hg19) VCF-style: chr22-50659810-T-A.
Other names: short protein forms D993V.
Identifiers: ClinVar variation 844788 (VCV000844788.9), dbSNP rs1157002082, ClinGen allele CA412185646.
Genomic context (GRCh38, chr22:50,221,381, plus strand): 5'-GCAGCACGCCTGGGTGGGTGTGAGGGGAGCAGAGTCTCCCGCGAGGCGGAGCCACAGGCA[T>A]CCATCTTCCCACAACTGTCCTCCCACAGCTGTAGCCCTGAGCTGCCCAAGCTGCACTCTG-3'
Protein context (NP_065194.3, residues 983-1003): QLWEDSCGKM[Asp993Val]ACGSASRETL